The following is an entry in ClinVar:

NM_198576.4(AGRN):c.4470C>T (p.Asp1490=)

Gene: AGRN (agrin; plus strand). Cytogenetic location: 1p36.33.
Variant type: single nucleotide variant.
Coding change: c.4470C>T on transcript NM_198576.4 (MANE Select); coding-DNA position 4470, C replaced by T.
Protein change: p.Asp1490=; no amino-acid change (aspartic acid 1490 retained).
Molecular consequence: synonymous variant.
Genome position (GRCh38, 1-based): chr1:1,049,407, C>T. VCF-style: chr1-1049407-C-T. GRCh37 (hg19) VCF-style: chr1-984787-C-T.
Other names: c.4470C>T, p.Asp1490= (NM_001305275.2); c.4155C>T, p.Asp1385= (NM_001364727.2).
Identifiers: ClinVar variation 474134 (VCV000474134.36), dbSNP rs547462192, ClinGen allele CA509467.
Genomic context (GRCh38, chr1:1,049,407, plus strand): 5'-GGATGGTGAGACCCCTGTTCTGGGCGAGAGTCCCAGTGGCACCGACGGCCTCAACCTGGA[C>T]ACAGACCTCTTTGTGGGCGGCGTACCCGAGGACCAGGCTGCCGTGTGAGTCCCTTGGAGG-3'
Protein context (NP_940978.2, residues 1480-1500): SPSGTDGLNL[Asp1490=]TDLFVGGVPE

ClinVar aggregate classification (germline): Likely benign. Review status: criteria provided, multiple submitters, no conflicts (2 of 4 stars). 3 submissions from 3 submitters: Likely benign (3). Last evaluated 2025-07-07.

Conditions:
Congenital myasthenic syndrome 8. Also called: Myasthenic syndrome, congenital, 8, with pre- and postsynaptic defects; MYASTHENIC SYNDROME, CONGENITAL, DUE TO AGRIN DEFICIENCY. Identifiers: Orphanet 590, MedGen C3808739, MONDO:0014052, OMIM 615120.

Allele frequency attached by ClinVar (database versions not stated): gnomAD 0.00001 and 0.00009; TOPMed 0.00002; gnomAD exomes 0.00021 and 0.00034; ExAC 0.00035; 1000 Genomes Project 30x 0.00047; 1000 Genomes Project 0.00060.
gnomAD v4.1: 322 of 1,599,138 alleles (0.02%); highest among the groups gnomAD compares: South Asian, 0.25%; 1 homozygote.

Submissions (3):

Labcorp Genetics (formerly Invitae), Labcorp
Classification: Likely benign for Congenital myasthenic syndrome 8. Last evaluated: 2025-07-07. Review status: criteria provided, single submitter. Criteria: Invitae Variant Classification Sherloc (09022015). Collection method: clinical testing. Allele origin: germline.

Blueprint Genetics
Classification: Likely benign. Last evaluated: 2024-11-18. Review status: criteria provided, single submitter. Criteria: ACMG Guidelines, 2015. Collection method: clinical testing. Allele origin: germline.

CeGaT Center for Human Genetics Tuebingen
Classification: Likely benign. Last evaluated: 2022-07-01. Review status: criteria provided, single submitter. Criteria: CeGaT Center For Human Genetics Tuebingen Variant Classification Criteria Version 2. Collection method: clinical testing. Allele origin: germline. Affected: yes. Observed: 1 variant allele.
Comment: AGRN: BP4, BP7